The following is an entry in ClinVar:

NM_002582.4(PARN):c.656G>A (p.Trp219Ter)

Gene: PARN (poly(A)-specific ribonuclease; minus strand). Cytogenetic location: 16p13.12.
Variant type: single nucleotide variant.
Coding change: c.656G>A on transcript NM_002582.4 (MANE Select); coding-DNA position 656, G replaced by A.
Protein change: p.Trp219Ter; replaces tryptophan 219 with a stop codon.
Molecular consequence: nonsense.
Genome position (GRCh38, 1-based): chr16:14,608,284, C>T on the plus strand (G>A on the coding strand, the complement: PARN is on the minus strand). VCF-style: chr16-14608284-C-T. GRCh37 (hg19) VCF-style: chr16-14702141-C-T.
Other names: p.Trp158*; c.473G>A, p.Trp158Ter (NM_001134477.3); c.518G>A, p.Trp173Ter (NM_001242992.2); short protein forms W158*, W173*, W219*.
Identifiers: ClinVar variation 1695953 (VCV001695953.1), dbSNP rs2508334817, ClinGen allele CA394808569.
Genomic context (GRCh38, chr16:14,608,284, plus strand): 5'-TTAGTCTTTAAATCCTGGGTCCCCCACAGAGCTGCTGCATACAATATAAATACTTACTTC[C>T]AGCTCAAAGTCTGATAAATTAGTTTTCTTTGGAACCTATAAAAACAAAAGAAAAGGTATT-3'

ClinVar aggregate classification (germline): Pathogenic (1 of 4 stars; one submission).

Conditions:
Pulmonary fibrosis. Identifiers: MedGen C0034069, MONDO:0002771, HP:0002206.

Allele frequency attached by ClinVar (database versions not stated): gnomAD exomes below 0.00001.
gnomAD v4.1: 1 of 1,536,436 alleles (0.000065%); highest among the groups gnomAD compares: Non-Finnish European, 0.000088%; no homozygotes.

Submission:

Garcia Pulmonary Genetics Research Laboratory, Columbia University Irving Medical Center
Classification: Pathogenic for Pulmonary fibrosis. Last evaluated: 2022-06-09. Review status: criteria provided, single submitter. Criteria: ACMG Guidelines, 2015. Collection method: research. Allele origin: germline. Affected: yes.
Comment: Pathogenic criteria: null variant (PVS1) with functional study supportive of damaging effect (PS3): leukocyte telomere length (by qPCR) less than 10th percentile age-adjusted